The following is an entry in ClinVar:

ClinVar aggregate classification (germline): Uncertain significance (1 of 4 stars; one submission).

Conditions:
Neurofibromatosis, type 1 (NF1). Also called: Neurofibromatosis, type I; Peripheral type neurofibromatosis; VON RECKLINGHAUSEN DISEASE; NEUROFIBROMATOSIS, TYPE I, SOMATIC. Identifiers: Orphanet 636, MedGen C0027831, MONDO:0018975, OMIM 162200. Disease mechanism: loss of function.

Submission:

Labcorp Genetics (formerly Invitae), Labcorp
Classification: Uncertain significance for Neurofibromatosis, type 1. Last evaluated: 2019-11-13. Review status: criteria provided, single submitter. Criteria: Invitae Variant Classification Sherloc (09022015). Collection method: clinical testing. Allele origin: germline.
Comment: This variant has not been reported in the literature in individuals with NF1-related conditions. In summary, the available evidence is currently insufficient to determine the role of this variant in disease. Therefore, it has been classified as a Variant of Uncertain Significance. Algorithms developed to predict the effect of missense changes on protein structure and function are either unavailable or do not agree on the potential impact of this missense change (SIFT: "Tolerated"; PolyPhen-2: "Probably Damaging"; Align-GVGD: "Class C0"). This variant is not present in population databases (ExAC no frequency). This sequence change replaces aspartic acid with histidine at codon 1984 of the NF1 protein (p.Asp1984His). The aspartic acid residue is moderately conserved and there is a moderate physicochemical difference between aspartic acid and histidine.

NM_001042492.3(NF1):c.6013G>C (p.Asp2005His)

Gene: NF1 (neurofibromin 1; plus strand). Cytogenetic location: 17q11.2.
Variant type: single nucleotide variant.
Coding change: c.6013G>C on transcript NM_001042492.3 (MANE Select); coding-DNA position 6013, G replaced by C.
Protein change: p.Asp2005His; replaces aspartic acid 2005 with histidine.
Molecular consequence: missense variant.
Genome position (GRCh38, 1-based): chr17:31,336,339, G>C. VCF-style: chr17-31336339-G-C. GRCh37 (hg19) VCF-style: chr17-29663357-G-C.
Other names: c.5950G>C, p.Asp1984His (NM_000267.4); short protein forms D2005H, D1984H.
Identifiers: ClinVar variation 969138 (VCV000969138.7), dbSNP rs876658702, ClinGen allele CA399011008.